The following is an entry in ClinVar:

NM_001292063.2(OTOG):c.8632C>T (p.Arg2878Cys)

Gene: OTOG (otogelin; plus strand). Cytogenetic location: 11p15.1.
Variant type: single nucleotide variant.
Coding change: c.8632C>T on transcript NM_001292063.2 (MANE Select); coding-DNA position 8632, C replaced by T.
Protein change: p.Arg2878Cys; replaces arginine 2878 with cysteine.
Molecular consequence: missense variant.
Genome position (GRCh38, 1-based): chr11:17,645,834, C>T. VCF-style: chr11-17645834-C-T. GRCh37 (hg19) VCF-style: chr11-17667381-C-T.
Other names: c.8668C>T, p.Arg2890Cys (NM_001277269.2); c.8668C>T (NM_001277269.1); short protein forms R2878C, R2890C.
Identifiers: ClinVar variation 2445645 (VCV002445645.2), dbSNP rs1243348441, ClinGen allele CA379792425.

ClinVar aggregate classification (germline): Conflicting classifications of pathogenicity. Review status: criteria provided, conflicting classifications (1 of 4 stars). 2 submissions from 2 submitters: Likely pathogenic (1); Uncertain significance (1). Last evaluated 2026-02-17.

Conditions:
Autosomal recessive nonsyndromic hearing loss 18B. Also called: Deafness, autosomal recessive 18b. Identifiers: Orphanet 90636, MedGen C3554163, MONDO:0013985, OMIM 614945.

gnomAD v4.1: 10 of 1,550,984 alleles (0.00064%); highest among the groups gnomAD compares: African/African-American, 0.0014%; no homozygotes.

Submissions (2):

GeneDx
Classification: Uncertain significance. Last evaluated: 2026-02-17. Review status: criteria provided, single submitter. Criteria: GeneDx Variant Classification Process June 2021. Collection method: clinical testing. Allele origin: germline.
Comment: Observed in a patient with bilateral sensorineural hearing loss in published literature; of note, the variant is reported as p.(R2878C) using alternative nomenclature (PMID: 36633841); Not observed at significant frequency in large population cohorts (gnomAD); In silico analysis supports that this missense variant has a deleterious effect on protein structure/function; This variant is associated with the following publications: (PMID: 36633841)

King Laboratory, University of Washington
Classification: Likely pathogenic for Autosomal recessive nonsyndromic hearing loss 18B. Last evaluated: 2023-02-28. Review status: criteria provided, single submitter. Criteria: Li et al. (Genet Med. 2022). Collection method: research. Allele origin: unknown. Affected: yes.
Comment: This variant occurred in compound heterozygosity with an OTOG nonsense variant in a patient with bilateral sensorineural hearing loss of onset <18 years, in a study of pediatric hearing loss conducted by the King Laboratory (Carlson RJ et al. JAMA-OtoHNS 2023). This variant is a missense at a completely conserved site in the disulfide binding region and CTCK domain of the OTOG protein and is predicted to be damaging by multiple in-silico tools. As of January 2023, this variant has not been reported to ClinVar and is not found on gnomAD. Based on consistently predicted functional effect, compound heterozygosity with a loss-of-function variant, and goodness of fit of genotype to phenotype, we conclude that this variant is likely pathogenic.

Literature cited by the submitters: PubMed 36633841 (cited by King Laboratory, University of Washington).